The following is an entry in ClinVar:

NM_001082486.2(ACD):c.734G>A (p.Arg245Lys)

Gene: ACD (ACD shelterin complex subunit and telomerase recruitment factor; minus strand). Cytogenetic location: 16q22.1.
Variant type: single nucleotide variant.
Coding change: c.734G>A on transcript NM_001082486.2 (MANE Select); coding-DNA position 734, G replaced by A.
Protein change: p.Arg245Lys; replaces arginine 245 with lysine.
Molecular consequence: missense variant.
Genome position (GRCh38, 1-based): chr16:67,658,728, C>T on the plus strand (G>A on the coding strand, the complement: ACD is on the minus strand). VCF-style: chr16-67658728-C-T. GRCh37 (hg19) VCF-style: chr16-67692631-C-T.
Other names: c.734G>A, p.Arg245Lys (LRG_1237t1); c.725G>A, p.Arg242Lys (NM_022914.3); short protein forms R245K, R242K.
Identifiers: ClinVar variation 649693 (VCV000649693.9), dbSNP rs1048865744, ClinGen allele CA396353442.

ClinVar aggregate classification (germline): Uncertain significance. Review status: criteria provided, multiple submitters, no conflicts (2 of 4 stars). 2 submissions from 2 submitters: Uncertain significance (2). Last evaluated 2023-10-11.

Conditions:
Inborn genetic diseases. Identifiers: MedGen C0950123, MeSH D030342.
Dyskeratosis congenita, autosomal dominant 6 (DKCA6). Identifiers: Orphanet 3322, MedGen C4225284, MONDO:0014690, OMIM 616553.

Submissions (2):

Ambry Genetics
Classification: Uncertain significance for Inborn genetic diseases. Last evaluated: 2023-10-11. Review status: criteria provided, single submitter. Criteria: Ambry Variant Classification Scheme 2023. Collection method: clinical testing. Allele origin: germline.
Comment: The p.R331K variant (also known as c.992G>A), located in coding exon 8 of the ACD gene, results from a G to A substitution at nucleotide position 992. The arginine at codon 331 is replaced by lysine, an amino acid with highly similar properties. This amino acid position is conserved. In addition, this alteration is predicted to be tolerated by in silico analysis. Since supporting evidence is limited at this time, the clinical significance of this alteration remains unclear.

Labcorp Genetics (formerly Invitae), Labcorp
Classification: Uncertain significance for Dyskeratosis congenita, autosomal dominant 6. Last evaluated: 2018-12-04. Review status: criteria provided, single submitter. Criteria: Invitae Variant Classification Sherloc (09022015). Collection method: clinical testing. Allele origin: germline.
Comment: This variant has not been reported in the literature in individuals with ACD-related conditions. In summary, the available evidence is currently insufficient to determine the role of this variant in disease. Therefore, it has been classified as a Variant of Uncertain Significance. Algorithms developed to predict the effect of missense changes on protein structure and function output the following: SIFT: "Tolerated"; PolyPhen-2: "Benign"; Align-GVGD: "Class C0". The lysine amino acid residue is found in multiple mammalian species, suggesting that this missense change does not adversely affect protein function. These predictions have not been confirmed by published functional studies and their clinical significance is uncertain. This variant is not present in population databases (ExAC no frequency). This sequence change replaces arginine with lysine at codon 331 of the ACD protein (p.Arg331Lys). The arginine residue is weakly conserved and there is a small physicochemical difference between arginine and lysine.